The following is an entry in ClinVar:

NM_152309.3(PIK3AP1):c.1727T>A (p.Ile576Asn)

Gene: PIK3AP1 (phosphoinositide-3-kinase adaptor protein 1; minus strand). Cytogenetic location: 10q24.1.
Variant type: single nucleotide variant.
Coding change: c.1727T>A on transcript NM_152309.3 (MANE Select); coding-DNA position 1727, T replaced by A.
Protein change: p.Ile576Asn; replaces isoleucine 576 with asparagine.
Molecular consequence: missense variant.
Genome position (GRCh38, 1-based): chr10:96,623,480, A>T on the plus strand (T>A on the coding strand, the complement: PIK3AP1 is on the minus strand). VCF-style: chr10-96623480-A-T. GRCh37 (hg19) VCF-style: chr10-98383237-A-T.
Other names: short protein forms I576N.
Identifiers: ClinVar variation 1716041 (VCV001716041.5), dbSNP rs2493656368, ClinGen allele CA377755558.

ClinVar aggregate classification (germline): Uncertain significance (1 of 4 stars; one submission).

Conditions:
Infantile spasms. Also called: Infantile spasm. Identifiers: MedGen C3887898, HP:0012469.

Submission:

Labcorp Genetics (formerly Invitae), Labcorp
Classification: Uncertain significance for Infantile spasms. Last evaluated: 2022-08-10. Review status: criteria provided, single submitter. Criteria: Invitae Variant Classification Sherloc (09022015). Collection method: clinical testing. Allele origin: germline.
Comment: This sequence change replaces isoleucine, which is neutral and non-polar, with asparagine, which is neutral and polar, at codon 576 of the PIK3AP1 protein (p.Ile576Asn). This variant is not present in population databases (gnomAD no frequency). This variant has not been reported in the literature in individuals affected with PIK3AP1-related conditions. Algorithms developed to predict the effect of missense changes on protein structure and function are either unavailable or do not agree on the potential impact of this missense change (SIFT: "Tolerated"; PolyPhen-2: "Possibly Damaging"; Align-GVGD: "Class C0"). In summary, the available evidence is currently insufficient to determine the role of this variant in disease. Therefore, it has been classified as a Variant of Uncertain Significance.